The following is an entry in ClinVar:

NM_005535.3(IL12RB1):c.390C>T (p.Thr130=)

Gene: IL12RB1 (interleukin 12 receptor subunit beta 1; minus strand). Cytogenetic location: 19p13.11.
Variant type: single nucleotide variant.
Coding change: c.390C>T on transcript NM_005535.3 (MANE Select); coding-DNA position 390, C replaced by T.
Protein change: p.Thr130=; no amino-acid change (threonine 130 retained).
Molecular consequence: synonymous variant.
Genome position (GRCh38, 1-based): chr19:18,080,851, G>A on the plus strand (C>T on the coding strand, the complement: IL12RB1 is on the minus strand). VCF-style: chr19-18080851-G-A. GRCh37 (hg19) VCF-style: chr19-18191661-G-A.
Other names: c.390C>T, p.Thr130= (NM_001290023.2, NM_153701.3); c.510C>T, p.Thr170= (NM_001290024.2).
Identifiers: ClinVar variation 791513 (VCV000791513.20), dbSNP rs201723337, ClinGen allele CA9305238.

ClinVar aggregate classification (germline): Conflicting classifications of pathogenicity. Review status: criteria provided, conflicting classifications (1 of 4 stars). 5 submissions from 5 submitters: Uncertain significance (1); Likely benign (3). 1 of the submissions does not count toward it. Last evaluated 2026-06-01.

Conditions:
IL12RB1-related disorder. Also called: IL12RB1-related condition.
Mendelian susceptibility to mycobacterial diseases due to complete IL12RB1 deficiency. Also called: IL12RB1 DEFICIENCY; Immunodeficiency 30. Identifiers: Orphanet 319552, MedGen C4013949, MONDO:0013955, OMIM 614891.

Allele frequency attached by ClinVar (database versions not stated): ExAC 0.00016; gnomAD exomes 0.00019 and 0.00047; TOPMed 0.00021; ESP Exome Variant Server 0.00023; gnomAD 0.00026 and 0.00029.
gnomAD v4.1: 715 of 1,609,316 alleles (0.044%); highest among the groups gnomAD compares: Non-Finnish European, 0.059%; 1 homozygote.

Submissions (5):

CeGaT Center for Human Genetics Tuebingen
Classification: Likely benign. Last evaluated: 2026-06-01. Review status: criteria provided, single submitter. Criteria: CeGaT Center For Human Genetics Tuebingen Variant Classification Criteria Version 2. Collection method: clinical testing. Allele origin: germline. Affected: yes. Observed: 1 variant allele.
Comment: IL12RB1: BP4, BP7

Labcorp Genetics (formerly Invitae), Labcorp
Classification: Likely benign for Mendelian susceptibility to mycobacterial diseases due to complete IL12RB1 deficiency. Last evaluated: 2026-01-27. Review status: criteria provided, single submitter. Criteria: Invitae Variant Classification Sherloc (09022015). Collection method: clinical testing. Allele origin: germline.

Blueprint Genetics
Classification: Likely benign. Last evaluated: 2024-06-14. Review status: criteria provided, single submitter. Criteria: ACMG Guidelines, 2015. Collection method: clinical testing. Allele origin: germline.

Illumina Laboratory Services, Illumina
Classification: Uncertain significance for Mendelian susceptibility to mycobacterial diseases due to complete IL12RB1 deficiency. Last evaluated: 2018-01-12. Review status: criteria provided, single submitter. Criteria: ICSL Variant Classification Criteria 13 December 2019. Collection method: clinical testing. Allele origin: germline.

PreventionGenetics, part of Exact Sciences
Classification: Likely benign for IL12RB1-related condition. Last evaluated: 2020-04-14. Review status: no assertion criteria provided. Collection method: clinical testing. Allele origin: germline. Not counted in ClinVar's aggregate classification.
Comment: This variant is classified as likely benign based on ACMG/AMP sequence variant interpretation guidelines (Richards et al. 2015 PMID: 25741868, with internal and published modifications).